The following is an entry in ClinVar:

NM_001379659.1(ZNF142):c.504G>T (p.Val168=)

Gene: ZNF142 (zinc finger protein 142; minus strand). Cytogenetic location: 2q35.
Variant type: single nucleotide variant.
Coding change: c.504G>T on transcript NM_001379659.1 (MANE Select); coding-DNA position 504, G replaced by T.
Protein change: p.Val168=; no amino-acid change (valine 168 retained).
Molecular consequence: synonymous variant. On other transcripts: intron variant (6).
Genome position (GRCh38, 1-based): chr2:218,652,077, C>A on the plus strand (G>T on the coding strand, the complement: ZNF142 is on the minus strand). VCF-style: chr2-218652077-C-A. GRCh37 (hg19) VCF-style: chr2-219516800-C-A.
Other names: c.504G>T, p.Val168= (NM_001366290.3, NM_001379660.1, NM_001379661.1); c.281-1551G>T (NM_001379662.1, NM_001105537.4, NM_001366291.2); c.-331-255G>T (NM_001366289.2, NM_001366288.2, NM_001366287.2).
Identifiers: ClinVar variation 3026089 (VCV003026089.22), dbSNP rs1349552490, ClinGen allele CA764898982.

ClinVar aggregate classification (germline): Likely benign (1 of 4 stars; one submission).

Allele frequency attached by ClinVar (database versions not stated): gnomAD exomes below 0.00001; TOPMed below 0.00001.

Submission:

CeGaT Center for Human Genetics Tuebingen
Classification: Likely benign. Last evaluated: 2024-02-01. Review status: criteria provided, single submitter. Criteria: CeGaT Center For Human Genetics Tuebingen Variant Classification Criteria Version 2. Collection method: clinical testing. Allele origin: germline. Affected: yes. Observed: 1 variant allele.
Comment: ZNF142: PM2:Supporting, BP4, BP7